The following is an entry in ClinVar:

ClinVar aggregate classification (germline): Uncertain significance (1 of 4 stars; one submission).

Allele frequency attached by ClinVar (database versions not stated): gnomAD exomes below 0.00001; TOPMed below 0.00001; gnomAD 0.00001.
gnomAD v4.1: 4 of 1,529,564 alleles (0.00026%); highest among the groups gnomAD compares: African/African-American, 0.0014%; no homozygotes.

Submission:

Labcorp Genetics (formerly Invitae), Labcorp
Classification: Uncertain significance. Last evaluated: 2022-07-20. Review status: criteria provided, single submitter. Criteria: Invitae Variant Classification Sherloc (09022015). Collection method: clinical testing. Allele origin: germline.
Comment: This sequence change replaces arginine, which is basic and polar, with tryptophan, which is neutral and slightly polar, at codon 20 of the CD55 protein (p.Arg20Trp). This variant is not present in population databases (gnomAD no frequency). This variant has not been reported in the literature in individuals affected with CD55-related conditions. Algorithms developed to predict the effect of missense changes on protein structure and function are either unavailable or do not agree on the potential impact of this missense change (SIFT: "Deleterious"; PolyPhen-2: "Benign"; Align-GVGD: "Class C0"). In summary, the available evidence is currently insufficient to determine the role of this variant in disease. Therefore, it has been classified as a Variant of Uncertain Significance.

NM_000574.5(CD55):c.58C>T (p.Arg20Trp)

Gene: CD55 (CD55 molecule (Cromer blood group); plus strand). Cytogenetic location: 1q32.2.
Variant type: single nucleotide variant.
Coding change: c.58C>T on transcript NM_000574.5 (MANE Select); coding-DNA position 58, C replaced by T.
Protein change: p.Arg20Trp; replaces arginine 20 with tryptophan.
Molecular consequence: missense variant. On other transcripts: non-coding transcript variant (1).
Genome position (GRCh38, 1-based): chr1:207,321,823, C>T. VCF-style: chr1-207321823-C-T. GRCh37 (hg19) VCF-style: chr1-207495168-C-T.
Other names: c.58C>T, p.Arg20Trp (NM_001114752.3, NM_001300902.2, NM_001300903.2 and 1 more transcripts); short protein forms R20W.
Identifiers: ClinVar variation 1896775 (VCV001896775.2), dbSNP rs1052030123, ClinGen allele CA36631071.
Genomic context (GRCh38, chr1:207,321,823, plus strand): 5'-GCCATGACCGTCGCGCGGCCGAGCGTGCCCGCGGCGCTGCCCCTCCTCGGGGAGCTGCCC[C>T]GGCTGCTGCTGCTGGTGCTGTTGTGCCTGCCGGCCGTGTGGGGTGAGTAGGGGCCCGGCG-3'
Protein context (NP_000565.1, residues 10-30): AALPLLGELP[Arg20Trp]LLLLVLLCLP